The following is an entry in ClinVar:

NM_031844.3(HNRNPU):c.2285G>A (p.Arg762His)

Gene: HNRNPU (heterogeneous nuclear ribonucleoprotein U; minus strand). Cytogenetic location: 1q44.
Variant type: single nucleotide variant.
Coding change: c.2285G>A on transcript NM_031844.3 (MANE Select); coding-DNA position 2285, G replaced by A.
Protein change: p.Arg762His; replaces arginine 762 with histidine.
Molecular consequence: missense variant.
Genome position (GRCh38, 1-based): chr1:244,855,491, C>T on the plus strand (G>A on the coding strand, the complement: HNRNPU is on the minus strand). VCF-style: chr1-244855491-C-T. GRCh37 (hg19) VCF-style: chr1-245018793-C-T.
Other names: c.2228G>A, p.Arg743His (NM_004501.3); short protein forms R743H, R762H.
Identifiers: ClinVar variation 654384 (VCV000654384.34), dbSNP rs768453396, ClinGen allele CA1486270.

ClinVar aggregate classification (germline): Conflicting classifications of pathogenicity. Review status: criteria provided, conflicting classifications (1 of 4 stars). 2 submissions from 2 submitters: Uncertain significance (1); Likely benign (1). Last evaluated 2025-11-29.

Conditions:
Developmental and epileptic encephalopathy, 54. Also called: Epileptic encephalopathy, early infantile, 54; HNRNPU-Related Neurodevelopmental Disorder. Identifiers: MedGen C4479319, MONDO:0033363, OMIM 617391.

Allele frequency attached by ClinVar (database versions not stated): gnomAD exomes below 0.00001 and 0.00001; ExAC 0.00001; gnomAD 0.00001; TOPMed 0.00001.
gnomAD v4.1: 7 of 1,613,872 alleles (0.00043%); highest among the groups gnomAD compares: Admixed American, 0.0033%; no homozygotes.

Submissions (2):

Labcorp Genetics (formerly Invitae), Labcorp
Classification: Uncertain significance for Developmental and epileptic encephalopathy, 54. Last evaluated: 2025-11-29. Review status: criteria provided, single submitter. Criteria: Invitae Variant Classification Sherloc (09022015). Collection method: clinical testing. Allele origin: germline.
Comment: This sequence change replaces arginine, which is basic and polar, with histidine, which is basic and polar, at codon 762 of the HNRNPU protein (p.Arg762His). This variant is present in population databases (rs768453396, gnomAD 0.01%). This variant has not been reported in the literature in individuals affected with HNRNPU-related conditions. ClinVar contains an entry for this variant (Variation ID: 654384). Invitae Evidence Modeling of protein sequence and biophysical properties (such as structural, functional, and spatial information, amino acid conservation, physicochemical variation, residue mobility, and thermodynamic stability) indicates that this missense variant is not expected to disrupt HNRNPU protein function with a negative predictive value of 95%. In summary, the available evidence is currently insufficient to determine the role of this variant in disease. Therefore, it has been classified as a Variant of Uncertain Significance.

CeGaT Center for Human Genetics Tuebingen
Classification: Likely benign. Last evaluated: 2023-03-01. Review status: criteria provided, single submitter. Criteria: CeGaT Center For Human Genetics Tuebingen Variant Classification Criteria Version 2. Collection method: clinical testing. Allele origin: germline. Affected: yes. Observed: 1 variant allele.
Comment: HNRNPU: PP2, BS2